The following is an entry in ClinVar:

ClinVar aggregate classification (germline): Uncertain significance. Review status: criteria provided, single submitter (1 of 4 stars). 2 submissions from 2 submitters: Uncertain significance (1). 1 of the submissions does not count toward it. Last evaluated 2024-12-09.

Conditions:
Galactosylceramide beta-galactosidase deficiency. Also called: GALACTOCEREBROSIDASE DEFICIENCY; GALC DEFICIENCY; GLOBOID CELL LEUKOENCEPHALOPATHY; Krabbe Disease; Leukodystrophy, Globoid Cell. Identifiers: Orphanet 487, MedGen C0023521, MONDO:0009499, OMIM 245200.

Allele frequency attached by ClinVar (database versions not stated): gnomAD exomes 0.00001 and 0.00004; ExAC 0.00002; gnomAD 0.00002; TOPMed 0.00002.
gnomAD v4.1: 12 of 1,612,804 alleles (0.00074%); highest among the groups gnomAD compares: East Asian, 0.025%; no homozygotes.

Submissions (2):

Labcorp Genetics (formerly Invitae), Labcorp
Classification: Uncertain significance for Galactosylceramide beta-galactosidase deficiency. Last evaluated: 2024-12-09. Review status: criteria provided, single submitter. Criteria: Invitae Variant Classification Sherloc (09022015). Collection method: clinical testing. Allele origin: germline.
Comment: This sequence change replaces proline, which is neutral and non-polar, with serine, which is neutral and polar, at codon 485 of the GALC protein (p.Pro485Ser). This variant is present in population databases (rs771051919, gnomAD 0.06%). This variant has not been reported in the literature in individuals affected with GALC-related conditions. ClinVar contains an entry for this variant (Variation ID: 663643). Invitae Evidence Modeling of protein sequence and biophysical properties (such as structural, functional, and spatial information, amino acid conservation, physicochemical variation, residue mobility, and thermodynamic stability) indicates that this missense variant is expected to disrupt GALC protein function with a positive predictive value of 95%. In summary, the available evidence is currently insufficient to determine the role of this variant in disease. Therefore, it has been classified as a Variant of Uncertain Significance.

Natera, Inc.
Classification: Uncertain significance for Galactosylceramide beta-galactosidase deficiency. Last evaluated: 2020-10-19. Review status: no assertion criteria provided. Collection method: clinical testing. Allele origin: germline. Not counted in ClinVar's aggregate classification.

NM_000153.4(GALC):c.1453C>T (p.Pro485Ser)

Gene: GALC (galactosylceramidase; minus strand). Cytogenetic location: 14q31.3.
Variant type: single nucleotide variant.
Coding change: c.1453C>T on transcript NM_000153.4 (MANE Select); coding-DNA position 1453, C replaced by T.
Protein change: p.Pro485Ser; replaces proline 485 with serine.
Molecular consequence: missense variant.
Genome position (GRCh38, 1-based): chr14:87,947,764, G>A on the plus strand (C>T on the coding strand, the complement: GALC is on the minus strand). VCF-style: chr14-87947764-G-A. GRCh37 (hg19) VCF-style: chr14-88414108-G-A.
Other names: c.1384C>T, p.Pro462Ser (NM_001201401.2); c.1375C>T, p.Pro459Ser (NM_001201402.2); short protein forms P462S, P459S, P485S.
Identifiers: ClinVar variation 663643 (VCV000663643.8), dbSNP rs771051919, ClinGen allele CA7297012.